The following is an entry in ClinVar:

NM_005529.7(HSPG2):c.10702G>A (p.Val3568Ile)

Gene: HSPG2 (heparan sulfate proteoglycan 2; minus strand). Cytogenetic location: 1p36.12.
Variant type: single nucleotide variant.
Coding change: c.10702G>A on transcript NM_005529.7 (MANE Select); coding-DNA position 10702, G replaced by A.
Protein change: p.Val3568Ile; replaces valine 3568 with isoleucine.
Molecular consequence: missense variant.
Genome position (GRCh38, 1-based): chr1:21,834,697, C>T on the plus strand (G>A on the coding strand, the complement: HSPG2 is on the minus strand). VCF-style: chr1-21834697-C-T. GRCh37 (hg19) VCF-style: chr1-22161190-C-T.
Other names: c.10705G>A, p.Val3569Ile (NM_001291860.2); short protein forms V3568I, V3569I.
Identifiers: ClinVar variation 446053 (VCV000446053.37), dbSNP rs115616224, ClinGen allele CA670045.

ClinVar aggregate classification (germline): Benign/Likely benign. Review status: criteria provided, multiple submitters, no conflicts (2 of 4 stars). 10 submissions from 9 submitters: Benign (5); Likely benign (5). Last evaluated 2026-01-27.

Conditions:
Connective tissue disorder. Also called: Connective tissue disease. Identifiers: MedGen C0009782, MONDO:0003900.
Schwartz-Jampel syndrome. Also called: Myotonic myopathy dwarfism chondrodystrophy and ocular and facial abnormalities. Identifiers: Orphanet 800, MedGen C0036391, MONDO:0009717.
Lethal Kniest-like syndrome (DDSH). Also called: Dyssegmental Dysplasia. Identifiers: Orphanet 1865, MedGen C1857100, MONDO:0009140, OMIM 224410.

Allele frequency attached by ClinVar (database versions not stated): gnomAD exomes 0.00245; ExAC 0.00276; gnomAD 0.00839 and 0.00899; 1000 Genomes Project 0.00899; 1000 Genomes Project 30x 0.00984; TOPMed 0.01013; ESP Exome Variant Server 0.01038.
gnomAD v4.1: 2,939 of 1,614,160 alleles (0.18%); highest among the groups gnomAD compares: African/African-American, 2.9%; 31 homozygotes.

Submissions (10):

Labcorp Genetics (formerly Invitae), Labcorp
Classification: Benign. Last evaluated: 2026-01-27. Review status: criteria provided, single submitter. Criteria: Invitae Variant Classification Sherloc (09022015). Collection method: clinical testing. Allele origin: germline.

ARUP Laboratories, Molecular Genetics and Genomics, ARUP Laboratories
Classification: Benign. Last evaluated: 2024-12-27. Review status: criteria provided, single submitter. Criteria: ARUP Molecular Germline Variant Investigation Process 2024. Collection method: clinical testing. Allele origin: germline.

GeneDx
Classification: Likely benign. Last evaluated: 2024-11-17. Review status: criteria provided, single submitter. Criteria: GeneDx Variant Classification Process June 2021. Collection method: clinical testing. Allele origin: germline. Affected: yes.
Comment: See Variant Classification Assertion Criteria.

Blueprint Genetics
Classification: Likely benign. Last evaluated: 2024-11-14. Review status: criteria provided, single submitter. Criteria: ACMG Guidelines, 2015. Collection method: clinical testing. Allele origin: germline.

Athena Diagnostics
Classification: Benign. Last evaluated: 2024-06-06. Review status: criteria provided, single submitter. Criteria: Athena Diagnostics Criteria. Collection method: clinical testing. Allele origin: unknown.

Genome Diagnostics Laboratory, The Hospital for Sick Children
Classification: Likely benign for Connective tissue disorder. Last evaluated: 2019-07-01. Review status: criteria provided, single submitter. Criteria: ACMG Guidelines, 2015. Collection method: clinical testing. Allele origin: germline.

Illumina Laboratory Services, Illumina
Classification: Benign for Schwartz-Jampel syndrome type 1. Last evaluated: 2018-09-25. Review status: criteria provided, single submitter. Criteria: ICSL Variant Classification Criteria 13 December 2019. Collection method: clinical testing. Allele origin: germline.
Comment: This variant was observed as part of a predisposition screen in an ostensibly healthy population. A literature search was performed for the gene, cDNA change, and amino acid change (where applicable). No publications were found based on this search. Allele frequency data from public databases was too high to be consistent with this variant causing disease. Therefore, this variant is classified as benign.

Illumina Laboratory Services, Illumina
Classification: Benign for Lethal Kniest-like syndrome. Last evaluated: 2018-09-25. Review status: criteria provided, single submitter. Criteria: ICSL Variant Classification Criteria 13 December 2019. Collection method: clinical testing. Allele origin: germline.
Comment: the same text as in the submission from Illumina Laboratory Services, Illumina above.

Center for Pediatric Genomic Medicine, Children's Mercy Hospital and Clinics
Classification: Likely benign. Last evaluated: 2017-03-31. Review status: criteria provided, single submitter. Criteria: ACMG Guidelines, 2015. Collection method: clinical testing. Allele origin: germline.

Breakthrough Genomics
Classification: Likely benign. Review status: criteria provided, single submitter. Criteria: ACMG Guidelines, 2015. Collection method: not provided. Allele origin: germline. Inheritance: Autosomal recessive inheritance. Affected: yes.